The following is an entry in ClinVar:

ClinVar aggregate classification (germline): Likely benign (0 of 4 stars; one submission).

Conditions:
DCDC1-related disorder. Also called: DCDC1-related condition.

Allele frequency attached by ClinVar (database versions not stated): TOPMed 0.00003; gnomAD 0.00004; gnomAD exomes 0.00004; ExAC 0.00006.
gnomAD v4.1: 61 of 1,613,462 alleles (0.0038%); highest among the groups gnomAD compares: Middle Eastern, 0.033%; no homozygotes.

Submission:

PreventionGenetics, part of Exact Sciences
Classification: Likely benign for DCDC1-related condition. Last evaluated: 2019-09-11. Review status: no assertion criteria provided. Collection method: clinical testing. Allele origin: germline.
Comment: This variant is classified as likely benign based on ACMG/AMP sequence variant interpretation guidelines (Richards et al. 2015 PMID: 25741868, with internal and published modifications).

NM_001387274.1(DCDC1):c.616C>T (p.Leu206=)

Genes: DCDC1 (doublecortin domain containing 1; minus strand), LOC126861175 (CDK7 strongly-dependent group 2 enhancer GRCh37_chr11:31326823-31328022; plus strand). Cytogenetic location: 11p13.
Variant type: single nucleotide variant.
Coding change: c.616C>T on transcript NM_001387274.1 (MANE Select); coding-DNA position 616, C replaced by T.
Protein change: p.Leu206=; no amino-acid change (leucine 206 retained).
Molecular consequence: synonymous variant. On other transcripts: non-coding transcript variant (1).
Genome position (GRCh38, 1-based): chr11:31,305,753, G>A on the plus strand (C>T on the coding strand, the complement: DCDC1 is on the minus strand). VCF-style: chr11-31305753-G-A. GRCh37 (hg19) VCF-style: chr11-31327300-G-A.
Other names: c.616C>T, p.Leu206= (NM_001367979.1, NM_181807.4).
Identifiers: ClinVar variation 3040658 (VCV003040658.2), dbSNP rs750636009, ClinGen allele CA5932584.
Genomic context (GRCh38, chr11:31,305,753, plus strand): 5'-GTTCGAGGGCTTCCTTGCCGTCTGCCAAGAACACTCGTCTTGCGGCCATGTTCAGATTCA[G>A]CTTTTCTGTGCACTCCTCCAGCAGCTAGAAGAAAGCAAGAGGTAAGTCAAAGTGATTTAC-3'
Protein context (NP_001374203.1, residues 196-216): TLLLEECTEK[Leu206=]NLNMAARRVF